The following is an entry in ClinVar:

ClinVar aggregate classification (germline): Uncertain significance (1 of 4 stars; one submission).

Conditions:
Dilated cardiomyopathy 1DD (CMD1DD). Identifiers: Orphanet 154, MedGen C2750995, MONDO:0013168, OMIM 613172.

Allele frequency attached by ClinVar (database versions not stated): gnomAD exomes below 0.00001; gnomAD 0.00001.
gnomAD v4.1: 2 of 1,551,600 alleles (0.00013%); highest among the groups gnomAD compares: Non-Finnish European, 0.00017%; no homozygotes.

Submission:

Labcorp Genetics (formerly Invitae), Labcorp
Classification: Uncertain significance for Dilated cardiomyopathy 1DD. Last evaluated: 2023-05-23. Review status: criteria provided, single submitter. Criteria: Invitae Variant Classification Sherloc (09022015). Collection method: clinical testing. Allele origin: germline.
Comment: Advanced modeling of protein sequence and biophysical properties (such as structural, functional, and spatial information, amino acid conservation, physicochemical variation, residue mobility, and thermodynamic stability) performed at Invitae indicates that this missense variant is not expected to disrupt RBM20 protein function. In summary, the available evidence is currently insufficient to determine the role of this variant in disease. Therefore, it has been classified as a Variant of Uncertain Significance. ClinVar contains an entry for this variant (Variation ID: 1461013). This variant has not been reported in the literature in individuals affected with RBM20-related conditions. This variant is not present in population databases (gnomAD no frequency). This sequence change replaces histidine, which is basic and polar, with tyrosine, which is neutral and polar, at codon 714 of the RBM20 protein (p.His714Tyr).

NM_001134363.3(RBM20):c.2140C>T (p.His714Tyr)

Gene: RBM20 (RNA binding motif protein 20; plus strand). Cytogenetic location: 10q25.2.
Variant type: single nucleotide variant.
Coding change: c.2140C>T on transcript NM_001134363.3 (MANE Select); coding-DNA position 2140, C replaced by T.
Protein change: p.His714Tyr; replaces histidine 714 with tyrosine.
Molecular consequence: missense variant.
Genome position (GRCh38, 1-based): chr10:110,812,537, C>T. VCF-style: chr10-110812537-C-T. GRCh37 (hg19) VCF-style: chr10-112572295-C-T.
Other names: short protein forms H714Y.
Identifiers: ClinVar variation 1461013 (VCV001461013.6), dbSNP rs1844784087, ClinGen allele CA378372170.
Genomic context (GRCh38, chr10:110,812,537, plus strand): 5'-AGGGACAACGGAGATGACAAGAGGGACAGGATGGACCCCTGGGCACATGATCGCAAACAC[C>T]ACCCCCGGCAACTGGACAAGGCTGAGTTGGACGAGCGACCAGAAGGAGGGAGGCCCCACC-3'
Protein context (NP_001127835.2, residues 704-724): MDPWAHDRKH[His714Tyr]PRQLDKAELD